The following is an entry in ClinVar:

ClinVar aggregate classification (germline): Uncertain significance. Review status: criteria provided, multiple submitters, no conflicts (2 of 4 stars). 2 submissions from 2 submitters: Uncertain significance (2). Last evaluated 2026-07-02.

Conditions:
Arrhythmogenic cardiomyopathy with wooly hair and keratoderma. Also called: PALMOPLANTAR KERATODERMA WITH LEFT VENTRICULAR CARDIOMYOPATHY AND WOOLLY HAIR; Dilated cardiomyopathy with woolly hair and keratoderma; Arrhythmogenic cardiomyopathy with woolly hair and keratoderma; Carvajal syndrome. Identifiers: Orphanet 65282, MedGen C1854063, MONDO:0011581, OMIM 605676.
Arrhythmogenic right ventricular dysplasia 8 (ARVD8). Also called: Arrhythmogenic Right Ventricular Dysplasia/Cardiomyopathy 8; ARRHYTHMOGENIC RIGHT VENTRICULAR DYSPLASIA, FAMILIAL, 8; ARRHYTHMOGENIC RIGHT VENTRICULAR CARDIOMYOPATHY 8. Identifiers: MedGen C1843896, MONDO:0011831, OMIM 607450.
Cardiovascular phenotype. Identifiers: MedGen CN230736.

Submissions (2):

Ambry Genetics
Classification: Uncertain significance for Cardiovascular phenotype. Last evaluated: 2026-07-02. Review status: criteria provided, single submitter. Criteria: Ambry Variant Classification Scheme 2023. Collection method: clinical testing. Allele origin: germline.
Comment: The p.T983I variant (also known as c.2948C>T), located in coding exon 21 of the DSP gene, results from a C to T substitution at nucleotide position 2948. The threonine at codon 983 is replaced by isoleucine, an amino acid with similar properties. This amino acid position is conserved. In addition, the in silico prediction for this alteration is inconclusive. Based on the available evidence, the clinical significance of this variant remains unclear.

Labcorp Genetics (formerly Invitae), Labcorp
Classification: Uncertain significance for Arrhythmogenic cardiomyopathy with wooly hair and keratoderma; Arrhythmogenic right ventricular dysplasia 8. Last evaluated: 2019-05-22. Review status: criteria provided, single submitter. Criteria: Invitae Variant Classification Sherloc (09022015). Collection method: clinical testing. Allele origin: germline.
Comment: In summary, the available evidence is currently insufficient to determine the role of this variant in disease. Therefore, it has been classified as a Variant of Uncertain Significance. Algorithms developed to predict the effect of missense changes on protein structure and function are either unavailable or do not agree on the potential impact of this missense change (SIFT: "Deleterious"; PolyPhen-2: "Benign"; Align-GVGD: "Class C0"). This variant has not been reported in the literature in individuals with DSP-related conditions. This variant is not present in population databases (ExAC no frequency). This sequence change replaces threonine with isoleucine at codon 983 of the DSP protein (p.Thr983Ile). The threonine residue is highly conserved and there is a moderate physicochemical difference between threonine and isoleucine.

NM_004415.4(DSP):c.2948C>T (p.Thr983Ile)

Gene: DSP (desmoplakin; plus strand). Cytogenetic location: 6p24.3.
Variant type: single nucleotide variant.
Coding change: c.2948C>T on transcript NM_004415.4 (MANE Select); coding-DNA position 2948, C replaced by T.
Protein change: p.Thr983Ile; replaces threonine 983 with isoleucine.
Molecular consequence: missense variant.
Genome position (GRCh38, 1-based): chr6:7,577,849, C>T. VCF-style: chr6-7577849-C-T. GRCh37 (hg19) VCF-style: chr6-7578082-C-T.
Other names: c.2948C>T, p.Thr983Ile (NM_001008844.3, NM_001319034.2); short protein forms T983I.
Identifiers: ClinVar variation 945876 (VCV000945876.12), dbSNP rs1040862892, ClinGen allele CA133965367.
Genomic context (GRCh38, chr6:7,577,849, plus strand): 5'-TCCAGCTGGCCTCATACACCTCAGGACTGGAAACTCTGCTGAACATACCTATCAAGAGGA[C>T]CATGATTCAGTCCCCTTCTGGGGTGATTCTGCAAGAGGTATATATGTCATCACATATCTC-3'
Protein context (NP_004406.2, residues 973-993): ETLLNIPIKR[Thr983Ile]MIQSPSGVIL